The following is an entry in ClinVar:

ClinVar aggregate classification (germline): Uncertain significance. Review status: criteria provided, multiple submitters, no conflicts (2 of 4 stars). 2 submissions from 2 submitters: Uncertain significance (2). Last evaluated 2025-11-05.

Conditions:
Hereditary cancer-predisposing syndrome. Also called: Hereditary Cancer Syndrome; Hereditary neoplastic syndrome; Neoplastic Syndromes, Hereditary; Tumor predisposition. Identifiers: Orphanet 140162, MedGen C0027672, MeSH D009386, MONDO:0015356.
Hereditary breast ovarian cancer syndrome. Also called: Hereditary breast and ovarian cancer syndrome (HBOC); Hereditary breast and ovarian cancer syndrome; Breast and ovarian cancer; Hereditary breast and/or ovarian cancer syndrome; Hereditary breast and ovarian cancer; BRCA1- and BRCA2-Associated Hereditary Breast and Ovarian Cancer. Identifiers: Orphanet 145, MedGen C0677776, MeSH D061325, MONDO:0003582. Disease mechanism: loss of function.

Allele frequency attached by ClinVar (database versions not stated): gnomAD exomes below 0.00001.
gnomAD v4.1: 1 of 1,614,174 alleles (0.000062%); highest among the groups gnomAD compares: Non-Finnish European, 0.000085%; no homozygotes.

Submissions (2):

Labcorp Genetics (formerly Invitae), Labcorp
Classification: Uncertain significance for Hereditary breast ovarian cancer syndrome. Last evaluated: 2025-11-05. Review status: criteria provided, single submitter. Criteria: Invitae Variant Classification Sherloc (09022015). Collection method: clinical testing. Allele origin: germline.
Comment: This sequence change replaces cysteine, which is neutral and slightly polar, with arginine, which is basic and polar, at codon 1513 of the BRCA1 protein (p.Cys1513Arg). This variant is not present in population databases (gnomAD no frequency). This variant has not been reported in the literature in individuals affected with BRCA1-related conditions. ClinVar contains an entry for this variant (Variation ID: 1741305). Invitae Evidence Modeling of protein sequence and biophysical properties (such as structural, functional, and spatial information, amino acid conservation, physicochemical variation, residue mobility, and thermodynamic stability) indicates that this missense variant is not expected to disrupt BRCA1 protein function with a negative predictive value of 95%. In summary, the available evidence is currently insufficient to determine the role of this variant in disease. Therefore, it has been classified as a Variant of Uncertain Significance.

Ambry Genetics
Classification: Uncertain significance for Hereditary cancer-predisposing syndrome. Last evaluated: 2022-02-07. Review status: criteria provided, single submitter. Criteria: Ambry Variant Classification Scheme 2023. Collection method: clinical testing. Allele origin: germline.
Comment: The p.C1513R variant (also known as c.4537T>C), located in coding exon 13 of the BRCA1 gene, results from a T to C substitution at nucleotide position 4537. The cysteine at codon 1513 is replaced by arginine, an amino acid with highly dissimilar properties. This amino acid position is conserved. In addition, the in silico prediction for this alteration is inconclusive. Since supporting evidence is limited at this time, the clinical significance of this alteration remains unclear.

NM_007294.4(BRCA1):c.4537T>C (p.Cys1513Arg)

Gene: BRCA1 (BRCA1 DNA repair associated; minus strand). Cytogenetic location: 17q21.31.
Variant type: single nucleotide variant.
Coding change: c.4537T>C on transcript NM_007294.4 (MANE Select); coding-DNA position 4537, T replaced by C.
Protein change: p.Cys1513Arg; replaces cysteine 1513 with arginine.
Molecular consequence: missense variant. On other transcripts: non-coding transcript variant (1).
Genome position (GRCh38, 1-based): chr17:43,074,469, A>G on the plus strand (T>C on the coding strand, the complement: BRCA1 is on the minus strand). VCF-style: chr17-43074469-A-G. GRCh37 (hg19) VCF-style: chr17-41226486-A-G.
Other names: c.4414T>C, p.Cys1472Arg (NM_001407664.1, NM_001407665.1, NM_001407666.1 and 6 more transcripts); c.4411T>C, p.Cys1471Arg (NM_001407670.1, NM_001407671.1, NM_001407672.1 and 11 more transcripts); c.4408T>C, p.Cys1470Arg (NM_001407681.1, NM_001407682.1, NM_001407683.1 and 6 more transcripts); c.4537T>C, p.Cys1513Arg (NM_001407684.1, NM_001407854.1, NM_001407593.1 and 8 more transcripts); c.4405T>C, p.Cys1469Arg (NM_001407690.1, NM_001407691.1); c.4396T>C, p.Cys1466Arg (NM_001407692.1, NM_001407694.1, NM_001407695.1 and 13 more transcripts); c.4393T>C, p.Cys1465Arg (NM_001407732.1, NM_001407733.1, NM_001407734.1 and 21 more transcripts); c.4390T>C, p.Cys1464Arg (NM_001407838.1, NM_001407839.1, NM_001407841.1 and 12 more transcripts); and 68 more; short protein forms C1216R, C1401R, C1402R, C1424R, C1425R, C1442R, C1464R, C1465R.
Identifiers: ClinVar variation 1741305 (VCV001741305.3), dbSNP rs2154017111, ClinGen allele CA10592443.